The following is an entry in ClinVar:

NM_005343.4(HRAS):c.222C>T (p.Thr74=)

Genes: HRAS (HRas proto-oncogene, GTPase; minus strand), LRRC56 (leucine rich repeat containing 56; plus strand). Cytogenetic location: 11p15.5.
Variant type: single nucleotide variant.
Coding change: c.222C>T on transcript NM_005343.4 (MANE Select); coding-DNA position 222, C replaced by T.
Protein change: p.Thr74=; no amino-acid change (threonine 74 retained).
Molecular consequence: synonymous variant. On other transcripts: 5 prime UTR variant (1).
Genome position (GRCh38, 1-based): chr11:533,834, G>A on the plus strand (C>T on the coding strand, the complement: HRAS is on the minus strand). VCF-style: chr11-533834-G-A. GRCh37 (hg19) VCF-style: chr11-533834-G-A.
Other names: c.222C>T, p.Thr74= (NM_001130442.3, NM_176795.5); c.-98C>T (NM_001318054.2).
Identifiers: ClinVar variation 496283 (VCV000496283.16), dbSNP rs372223975, ClinGen allele CA5779385.

ClinVar aggregate classification (germline): Benign/Likely benign. Review status: criteria provided, multiple submitters, no conflicts (2 of 4 stars). 5 submissions from 5 submitters: Benign (2); Likely benign (3). Last evaluated 2025-11-23.

Conditions:
Cardiovascular phenotype. Identifiers: MedGen CN230736.
Costello syndrome (CSTLO). Also called: FACIOCUTANEOSKELETAL SYNDROME; FCS SYNDROME; HRAS-Related Costello Syndrome. Identifiers: Orphanet 3071, MedGen C0587248, MONDO:0009026, OMIM 218040.

Allele frequency attached by ClinVar (database versions not stated): TOPMed 0.00003; gnomAD 0.00005; ExAC 0.00007; ESP Exome Variant Server 0.00008.
gnomAD v4.1: 53 of 1,613,214 alleles (0.0033%); highest among the groups gnomAD compares: South Asian, 0.012%; no homozygotes.

Submissions (5):

Labcorp Genetics (formerly Invitae), Labcorp
Classification: Benign for Costello syndrome. Last evaluated: 2025-11-23. Review status: criteria provided, single submitter. Criteria: Invitae Variant Classification Sherloc (09022015). Collection method: clinical testing. Allele origin: germline.

Blueprint Genetics
Classification: Likely benign. Last evaluated: 2024-04-29. Review status: criteria provided, single submitter. Criteria: ACMG Guidelines, 2015. Collection method: clinical testing. Allele origin: germline.

GeneDx
Classification: Likely benign. Last evaluated: 2020-09-23. Review status: criteria provided, single submitter. Criteria: GeneDx Variant Classification Process June 2021. Collection method: clinical testing. Allele origin: germline. Affected: yes.

Ambry Genetics
Classification: Likely benign for Cardiovascular phenotype. Last evaluated: 2020-07-21. Review status: criteria provided, single submitter. Criteria: Ambry Variant Classification Scheme 2023. Collection method: clinical testing. Allele origin: germline.

Women's Health and Genetics/Laboratory Corporation of America, LabCorp
Classification: Benign. Last evaluated: 2016-03-29. Review status: criteria provided, single submitter. Criteria: LabCorp Variant Classification Summary - May 2015. Collection method: clinical testing. Allele origin: germline.
Comment: Variant summary: This c.222C>T variant affects a non-conserved nucleotide, resulting in synonymous amino acid change. 5/5 splice-site tools via Alamut predict that this variant does not affect normal splicing. This variant was found in 8/120992 control chromosomes from the broad and large populations of ExAC at a frequency of 0.0000661, which is more than 25 times greater than the maximal expected frequency of a pathogenic allele (0.0000025) in this gene, showing that this variant is benign. Taken together, this variant has been classified as Benign.